The following is an entry in ClinVar:

NM_004369.4(COL6A3):c.5500+71C>T

Gene: COL6A3 (collagen type VI alpha 3 chain; minus strand). Cytogenetic location: 2q37.3.
Variant type: single nucleotide variant.
Coding change: c.5500+71C>T on transcript NM_004369.4 (MANE Select); 71 bases into the intron after coding-DNA position 5500, C replaced by T.
Molecular consequence: intron variant.
Genome position (GRCh38, 1-based): chr2:237,366,616, G>A on the plus strand (C>T on the coding strand, the complement: COL6A3 is on the minus strand). VCF-style: chr2-237366616-G-A. GRCh37 (hg19) VCF-style: chr2-238275259-G-A.
Other names: c.3679+71C>T (NM_057166.5); c.4882+71C>T (NM_057167.4).
Identifiers: ClinVar variation 679542 (VCV000679542.2), dbSNP rs74648902, ClinGen allele CA67814069.
Genomic context (GRCh38, chr2:237,366,616, plus strand): 5'-GTGGGTATAAGTAAATGTATGAAGCAACCAAATGCCTAAGGACTCCAGAGGTCAGCACCA[G>A]GGACCAGACAGCTAAAGAGGCACAAATGTCAACAGGAAAGGATGGAAAATATGCACATAA-3'

ClinVar aggregate classification (germline): Likely benign. Review status: criteria provided, multiple submitters, no conflicts (2 of 4 stars). 2 submissions from 2 submitters: Likely benign (2). Last evaluated 2018-06-18.

Allele frequency attached by ClinVar (database versions not stated): gnomAD exomes 0.00070; gnomAD 0.00636 and 0.00702; TOPMed 0.00704; 1000 Genomes Project 0.00739; 1000 Genomes Project 30x 0.00796.
gnomAD v4.1: 2,055 of 1,611,066 alleles (0.13%); highest among the groups gnomAD compares: African/African-American, 2.1%; 14 homozygotes.

Submissions (2):

GeneDx
Classification: Likely benign. Last evaluated: 2018-06-18. Review status: criteria provided, single submitter. Criteria: GeneDx Variant Classification (06012015). Collection method: clinical testing. Allele origin: germline. Affected: yes.
Comment: This variant is considered likely benign or benign based on one or more of the following criteria: it is a conservative change, it occurs at a poorly conserved position in the protein, it is predicted to be benign by multiple in silico algorithms, and/or has population frequency not consistent with disease.

Breakthrough Genomics
Classification: Likely benign. Review status: criteria provided, single submitter. Criteria: ACMG Guidelines, 2015. Collection method: not provided. Allele origin: germline. Inheritance: Autosomal recessive inheritance. Affected: yes.